The following is an entry in ClinVar:

ClinVar aggregate classification (germline): Conflicting classifications of pathogenicity. Review status: criteria provided, conflicting classifications (1 of 4 stars). 3 submissions from 3 submitters: Uncertain significance (1); Likely benign (2). Last evaluated 2026-06-01.

Conditions:
Early-infantile DEE. Also called: Early infantile epileptic encephalopathy with suppression bursts; Early infantile epileptic encephalopathy; Ohtahara syndrome. Identifiers: Orphanet 1934, MedGen C0393706, MONDO:0800491.
Inborn genetic diseases. Identifiers: MedGen C0950123, MeSH D030342.

Allele frequency attached by ClinVar (database versions not stated): ESP Exome Variant Server 0.00008; ExAC 0.00018; 1000 Genomes Project 0.00020; gnomAD exomes 0.00026 and 0.00031; 1000 Genomes Project 30x 0.00031; gnomAD 0.00034 and 0.00036; TOPMed 0.00041.
gnomAD v4.1: 424 of 1,613,600 alleles (0.026%); highest among the groups gnomAD compares: Admixed American, 0.15%; no homozygotes.

Submissions (3):

CeGaT Center for Human Genetics Tuebingen
Classification: Likely benign. Last evaluated: 2026-06-01. Review status: criteria provided, single submitter. Criteria: CeGaT Center For Human Genetics Tuebingen Variant Classification Criteria Version 2. Collection method: clinical testing. Allele origin: germline. Affected: yes. Observed: 1 variant allele.
Comment: KCNH5: BS1

Labcorp Genetics (formerly Invitae), Labcorp
Classification: Likely benign for Early-infantile DEE. Last evaluated: 2026-01-24. Review status: criteria provided, single submitter. Criteria: Invitae Variant Classification Sherloc (09022015). Collection method: clinical testing. Allele origin: germline.

Ambry Genetics
Classification: Uncertain significance for Inborn genetic diseases. Last evaluated: 2024-08-27. Review status: criteria provided, single submitter. Criteria: Ambry Variant Classification Scheme 2023. Collection method: clinical testing. Allele origin: germline.

NM_139318.5(KCNH5):c.2097C>A (p.Ser699Arg)

Gene: KCNH5 (potassium voltage-gated channel subfamily H member 5; minus strand). Cytogenetic location: 14q23.2.
Variant type: single nucleotide variant.
Coding change: c.2097C>A on transcript NM_139318.5 (MANE Select); coding-DNA position 2097, C replaced by A.
Protein change: p.Ser699Arg; replaces serine 699 with arginine.
Molecular consequence: missense variant. On other transcripts: 3 prime UTR variant (1).
Genome position (GRCh38, 1-based): chr14:62,708,378, G>T on the plus strand (C>A on the coding strand, the complement: KCNH5 is on the minus strand). VCF-style: chr14-62708378-G-T. GRCh37 (hg19) VCF-style: chr14-63175096-G-T.
Other names: c.*64C>A (NM_172375.3); short protein forms S699R.
Identifiers: ClinVar variation 410375 (VCV000410375.17), dbSNP rs148812753, ClinGen allele CA7217315.